The following is an entry in ClinVar:

NM_022124.6(CDH23):c.6856G>A (p.Val2286Ile)

Gene: CDH23 (cadherin related 23; plus strand). Cytogenetic location: 10q22.1.
Variant type: single nucleotide variant.
Coding change: c.6856G>A on transcript NM_022124.6 (MANE Select); coding-DNA position 6856, G replaced by A.
Protein change: p.Val2286Ile; replaces valine 2286 with isoleucine.
Molecular consequence: missense variant.
Genome position (GRCh38, 1-based): chr10:71,798,380, G>A. VCF-style: chr10-71798380-G-A. GRCh37 (hg19) VCF-style: chr10-73558137-G-A.
Other names: c.136G>A, p.Val46Ile (NM_001171933.1, NM_001171934.1); short protein forms V2286I, V46I.
Identifiers: ClinVar variation 855501 (VCV000855501.6), dbSNP rs548373542, ClinGen allele CA5546210.

ClinVar aggregate classification (germline): Uncertain significance. Review status: criteria provided, single submitter (1 of 4 stars). 2 submissions from 2 submitters: Uncertain significance (1). 1 of the submissions does not count toward it. Last evaluated 2023-11-27.

Conditions:
Usher syndrome type 1 (USH1). Also called: RETINITIS PIGMENTOSA AND CONGENITAL DEAFNESS. Identifiers: Orphanet 231169, Orphanet 886, MedGen C1568247, MONDO:0010168, OMIM 276900.

Allele frequency attached by ClinVar (database versions not stated): gnomAD 0.00001; TOPMed 0.00002; 1000 Genomes Project 0.00020; 1000 Genomes Project 30x 0.00016.
gnomAD v4.1: 13 of 1,613,886 alleles (0.00081%); highest among the groups gnomAD compares: Admixed American, 0.0033%; no homozygotes.

Submissions (2):

Labcorp Genetics (formerly Invitae), Labcorp
Classification: Uncertain significance. Last evaluated: 2023-11-27. Review status: criteria provided, single submitter. Criteria: Invitae Variant Classification Sherloc (09022015). Collection method: clinical testing. Allele origin: germline.
Comment: This sequence change replaces valine, which is neutral and non-polar, with isoleucine, which is neutral and non-polar, at codon 2286 of the CDH23 protein (p.Val2286Ile). This variant is present in population databases (rs548373542, gnomAD 0.01%). This variant has not been reported in the literature in individuals affected with CDH23-related conditions. ClinVar contains an entry for this variant (Variation ID: 855501). Advanced modeling of protein sequence and biophysical properties (such as structural, functional, and spatial information, amino acid conservation, physicochemical variation, residue mobility, and thermodynamic stability) performed at Invitae indicates that this missense variant is not expected to disrupt CDH23 protein function with a negative predictive value of 95%. In summary, the available evidence is currently insufficient to determine the role of this variant in disease. Therefore, it has been classified as a Variant of Uncertain Significance.

Natera, Inc.
Classification: Uncertain significance for Usher syndrome type 1. Last evaluated: 2020-08-13. Review status: no assertion criteria provided. Collection method: clinical testing. Allele origin: germline. Not counted in ClinVar's aggregate classification.